The following is an entry in ClinVar:

NM_139058.3(ARX):c.389C>A (p.Pro130Gln)

Genes: ARX (aristaless related homeobox; minus strand), LOC109610631 (aristaless related homeobox polyalanine expansion region; plus strand). Cytogenetic location: Xp21.3.
Variant type: single nucleotide variant.
Coding change: c.389C>A on transcript NM_139058.3 (MANE Select); coding-DNA position 389, C replaced by A.
Protein change: p.Pro130Gln; replaces proline 130 with glutamine.
Molecular consequence: missense variant.
Genome position (GRCh38, 1-based): chrX:25,013,606, G>T on the plus strand (C>A on the coding strand, the complement: ARX is on the minus strand). VCF-style: chrX-25013606-G-T. GRCh37 (hg19) VCF-style: chrX-25031723-G-T.
Other names: short protein forms P130Q.
Identifiers: ClinVar variation 421425 (VCV000421425.3), dbSNP rs1064795129, ClinGen allele CA16621351.
Genomic context (GRCh38, chrX:25,013,606, plus strand): 5'-GCCGCGGCTGCCGCGGCGGCCCCTGCGCCGTCCGGCCGTTCCCCGGGCCGCGCGGTTGGC[G>T]GTGGCGGCGGAGGGGCCTCCCCGCGTGGACCCGCCGTGGCCGTGGCGGCCGCTGCCGCCG-3'
Protein context (NP_620689.1, residues 120-140): GPRGEAPPPP[Pro130Gln]PTARPGERPD

ClinVar aggregate classification (germline): Likely benign (1 of 4 stars; one submission).

gnomAD v4.1: 2 of 752,046 alleles (0.00027%); highest among the groups gnomAD compares: East Asian, 0.015%; no homozygotes.

Submission:

GeneDx
Classification: Likely benign. Last evaluated: 2019-10-29. Review status: criteria provided, single submitter. Criteria: GeneDx Variant Classification Process June 2021. Collection method: clinical testing. Allele origin: germline. Affected: yes.
Comment: Not observed in large population cohorts (Lek et al., 2016); In silico analysis, which includes protein predictors and evolutionary conservation, supports that this variant does not alter protein structure/function; Has not been previously published as pathogenic or benign to our knowledge